The following is an entry in ClinVar:

ClinVar aggregate classification (germline): Conflicting classifications of pathogenicity. Review status: criteria provided, conflicting classifications (1 of 4 stars). 2 submissions from 2 submitters: Uncertain significance (1); Likely benign (1). Last evaluated 2025-05-24.

Conditions:
Inborn genetic diseases. Identifiers: MedGen C0950123, MeSH D030342.

Allele frequency attached by ClinVar (database versions not stated): gnomAD exomes 0.00002; ExAC 0.00004; TOPMed 0.00004; gnomAD 0.00005; 1000 Genomes Project 30x 0.00016; 1000 Genomes Project 0.00020.
gnomAD v4.1: 43 of 1,612,812 alleles (0.0027%); highest among the groups gnomAD compares: Middle Eastern, 0.017%; no homozygotes.

Submissions (2):

Labcorp Genetics (formerly Invitae), Labcorp
Classification: Uncertain significance. Last evaluated: 2025-05-24. Review status: criteria provided, single submitter. Criteria: Invitae Variant Classification Sherloc (09022015). Collection method: clinical testing. Allele origin: germline.
Comment: This sequence change replaces methionine, which is neutral and non-polar, with valine, which is neutral and non-polar, at codon 2352 of the ASPM protein (p.Met2352Val). This variant is present in population databases (rs201935727, gnomAD 0.006%). This variant has not been reported in the literature in individuals affected with ASPM-related conditions. ClinVar contains an entry for this variant (Variation ID: 1984243). Invitae Evidence Modeling of protein sequence and biophysical properties (such as structural, functional, and spatial information, amino acid conservation, physicochemical variation, residue mobility, and thermodynamic stability) indicates that this missense variant is not expected to disrupt ASPM protein function with a negative predictive value of 80%. In summary, the available evidence is currently insufficient to determine the role of this variant in disease. Therefore, it has been classified as a Variant of Uncertain Significance.

Ambry Genetics
Classification: Likely benign for Inborn genetic diseases. Last evaluated: 2023-08-21. Review status: criteria provided, single submitter. Criteria: Ambry Variant Classification Scheme 2023. Collection method: clinical testing. Allele origin: germline.

NM_018136.5(ASPM):c.7054A>G (p.Met2352Val)

Gene: ASPM (assembly factor for spindle microtubules; minus strand). Cytogenetic location: 1q31.3.
Variant type: single nucleotide variant.
Coding change: c.7054A>G on transcript NM_018136.5 (MANE Select); coding-DNA position 7054, A replaced by G.
Protein change: p.Met2352Val; replaces methionine 2352 with valine.
Molecular consequence: missense variant. On other transcripts: intron variant (1).
Genome position (GRCh38, 1-based): chr1:197,102,197, T>C on the plus strand (A>G on the coding strand, the complement: ASPM is on the minus strand). VCF-style: chr1-197102197-T-C. GRCh37 (hg19) VCF-style: chr1-197071327-T-C.
Other names: c.4066-6033A>G (NM_001206846.2); short protein forms M2352V.
Identifiers: ClinVar variation 1984243 (VCV001984243.5), dbSNP rs201935727, ClinGen allele CA1309464.
Genomic context (GRCh38, chr1:197,102,197, plus strand): 5'-TATTTGCTTGGTATTGCTGTTGGATCACAACGGAGGCCTGTTTCAAAGCCTGATATCTCA[T>C]ATGTAATCTGTGCATTCTGAAAGTAGACTGGATGAAAGTAGCAGCCCTGTGCATCTCTCG-3'
Protein context (NP_060606.3, residues 2342-2362): QSTFRMHRLH[Met2352Val]RYQALKQASV